The following is an entry in ClinVar:

ClinVar aggregate classification (germline): Conflicting classifications of pathogenicity. Review status: criteria provided, conflicting classifications (1 of 4 stars). 4 submissions from 4 submitters: Uncertain significance (3); Likely benign (1). Last evaluated 2025-10-23.

Conditions:
Idiopathic generalized epilepsy. Also called: Generalised epilepsy; EIG. Identifiers: MedGen C0270850, MONDO:0005579, OMIM 600669.
Hyperaldosteronism, familial, type IV (HALD4). Also called: FH IV; ALDOSTERONISM, PRIMARY, AND HYPERTENSION. Identifiers: Orphanet 642671, MedGen C4310756, MONDO:0014875, OMIM 617027.
Epilepsy, childhood absence, susceptibility to, 6. Identifiers: Orphanet 64280, MedGen C2749872, MONDO:0012763, OMIM 611942.

Allele frequency attached by ClinVar (database versions not stated): gnomAD exomes 0.00001; TOPMed 0.00001; gnomAD 0.00003.
gnomAD v4.1: 20 of 1,553,458 alleles (0.0013%); highest among the groups gnomAD compares: Middle Eastern, 0.017%; no homozygotes.

Submissions (4):

Women's Health and Genetics/Laboratory Corporation of America, LabCorp
Classification: Uncertain significance. Last evaluated: 2025-10-23. Review status: criteria provided, single submitter. Criteria: LabCorp Variant Classification Summary - May 2015. Collection method: clinical testing. Allele origin: germline.
Comment: Variant summary: CACNA1H c.3469C>T (p.Arg1157Cys) results in a non-conservative amino acid change in the encoded protein sequence. Algorithms developed to predict the effect of missense changes on protein structure and function all suggest that this variant is likely to be disruptive. The variant allele was found at a frequency of 6.8e-06 in 146010 control chromosomes. The available data on variant occurrences in the general population are insufficient to allow any conclusion about variant significance. To our knowledge, no occurrence of c.3469C>T in individuals affected with CACNA1H-related conditions and no experimental evidence demonstrating its impact on protein function have been reported. ClinVar contains an entry for this variant (Variation ID: 389092). Based on the evidence outlined above, the variant was classified as uncertain significance.

Labcorp Genetics (formerly Invitae), Labcorp
Classification: Likely benign for Idiopathic generalized epilepsy; Hyperaldosteronism, familial, type IV. Last evaluated: 2024-06-17. Review status: criteria provided, single submitter. Criteria: Invitae Variant Classification Sherloc (09022015). Collection method: clinical testing. Allele origin: germline.

Fulgent Genetics
Classification: Uncertain significance for Epilepsy, childhood absence, susceptibility to, 6; Hyperaldosteronism, familial, type IV. Last evaluated: 2024-01-31. Review status: criteria provided, single submitter. Criteria: ACMG Guidelines, 2015. Collection method: clinical testing. Allele origin: germline.

GeneDx
Classification: Uncertain significance. Last evaluated: 2016-09-12. Review status: criteria provided, single submitter. Criteria: GeneDx Variant Classification (06012015). Collection method: clinical testing. Allele origin: germline. Affected: yes.
Comment: The R1157C variant in the CACNA1H gene has not been reported previously as a pathogenic variant, nor as a benign variant, to our knowledge. The R1157C variant was not observed in approximately 5600 individuals of European and African American ancestry in the NHLBI Exome Sequencing Project, indicating it is not a common benign variant in these populations. The R1157C variant is a non-conservative amino acid substitution, which is likely to impact secondary protein structure as these residues differ in polarity, charge, size and/or other properties. This substitution occurs at a position where amino acids with similar properties to Arginine are tolerated across species. In silico analysis predicts this variant is probably damaging to the protein structure/function. We interpret R1157C as a variant of uncertain significance.

NM_021098.3(CACNA1H):c.3469C>T (p.Arg1157Cys)

Gene: CACNA1H (calcium voltage-gated channel subunit alpha1 H; plus strand). Cytogenetic location: 16p13.3.
Variant type: single nucleotide variant.
Coding change: c.3469C>T on transcript NM_021098.3 (MANE Select); coding-DNA position 3469, C replaced by T.
Protein change: p.Arg1157Cys; replaces arginine 1157 with cysteine.
Molecular consequence: missense variant.
Genome position (GRCh38, 1-based): chr16:1,209,137, C>T. VCF-style: chr16-1209137-C-T. GRCh37 (hg19) VCF-style: chr16-1259137-C-T.
Other names: c.3469C>T, p.Arg1157Cys (NM_001005407.2); short protein forms R1157C.
Identifiers: ClinVar variation 389092 (VCV000389092.9), dbSNP rs1057523326, ClinGen allele CA16607978.
Genomic context (GRCh38, chr16:1,209,137, plus strand): 5'-GCCTGGAGCAGCCGGCGCTCCAGCTGGAGCAGCCTGGGCCGTGCCCCCAGCCTCAAGCGC[C>T]GCGGCCAGTGTGGGGAACGTGAGTCCCTGCTGTCTGGCGAGGGCAAGGGCAGCACCGACG-3'
Protein context (NP_066921.2, residues 1147-1167): SLGRAPSLKR[Arg1157Cys]GQCGERESLL